The following is an entry in ClinVar:

ClinVar aggregate classification (germline): Benign/Likely benign. Review status: criteria provided, multiple submitters, no conflicts (2 of 4 stars). 2 submissions from 2 submitters: Benign (1); Likely benign (1). Last evaluated 2025-12-03.

Conditions:
TRAP1-related disorder. Also called: TRAP1-related condition.

Allele frequency attached by ClinVar (database versions not stated): TOPMed 0.00006; ESP Exome Variant Server 0.00015; gnomAD 0.00017; gnomAD exomes 0.00043; ExAC 0.00088; 1000 Genomes Project 0.00120; 1000 Genomes Project 30x 0.00125.
gnomAD v4.1: 646 of 1,613,868 alleles (0.04%); highest among the groups gnomAD compares: South Asian, 0.62%; 12 homozygotes.

Submissions (2):

Labcorp Genetics (formerly Invitae), Labcorp
Classification: Benign. Last evaluated: 2025-12-03. Review status: criteria provided, single submitter. Criteria: Invitae Variant Classification Sherloc (09022015). Collection method: clinical testing. Allele origin: germline.

PreventionGenetics, part of Exact Sciences
Classification: Likely benign for TRAP1-related condition. Last evaluated: 2025-06-17. Review status: criteria provided, single submitter. Criteria: ACMG Guidelines, 2015. Collection method: clinical testing. Allele origin: germline.
Comment: This variant is classified as likely benign based on ACMG/AMP sequence variant interpretation guidelines (Richards et al. 2015 PMID: 25741868, with internal and published modifications).

NM_016292.3(TRAP1):c.888+8C>G

Gene: TRAP1 (TNF receptor associated protein 1; minus strand). Cytogenetic location: 16p13.3.
Variant type: single nucleotide variant.
Coding change: c.888+8C>G on transcript NM_016292.3 (MANE Select); 8 bases into the intron after coding-DNA position 888, C replaced by G.
Molecular consequence: intron variant.
Genome position (GRCh38, 1-based): chr16:3,675,316, G>C on the plus strand (C>G on the coding strand, the complement: TRAP1 is on the minus strand). VCF-style: chr16-3675316-G-C. GRCh37 (hg19) VCF-style: chr16-3725317-G-C.
Other names: c.729+8C>G (NM_001272049.2); c.888+8C>G (NM_016292.2).
Identifiers: ClinVar variation 2077262 (VCV002077262.5), dbSNP rs373967733, ClinGen allele CA7868439.